The following is an entry in ClinVar:

ClinVar aggregate classification (germline): Uncertain significance. Review status: criteria provided, multiple submitters, no conflicts (2 of 4 stars). 2 submissions from 2 submitters: Uncertain significance (2). Last evaluated 2025-07-09.

Allele frequency attached by ClinVar (database versions not stated): ExAC 0.00003.
gnomAD v4.1: 74 of 1,613,512 alleles (0.0046%); highest among the groups gnomAD compares: Non-Finnish European, 0.0063%; no homozygotes.

Submissions (2):

Labcorp Genetics (formerly Invitae), Labcorp
Classification: Uncertain significance. Last evaluated: 2025-07-09. Review status: criteria provided, single submitter. Criteria: Invitae Variant Classification Sherloc (09022015). Collection method: clinical testing. Allele origin: germline.
Comment: This sequence change replaces glycine, which is neutral and non-polar, with alanine, which is neutral and non-polar, at codon 763 of the LRRC8A protein (p.Gly763Ala). This variant is present in population databases (rs766782363, gnomAD 0.006%). This variant has not been reported in the literature in individuals affected with LRRC8A-related conditions. ClinVar contains an entry for this variant (Variation ID: 2897044). An algorithm developed to predict the effect of missense changes on protein structure and function (PolyPhen-2) suggests that this variant is likely to be disruptive. In summary, the available evidence is currently insufficient to determine the role of this variant in disease. Therefore, it has been classified as a Variant of Uncertain Significance.

Ambry Genetics
Classification: Uncertain significance. Last evaluated: 2024-07-10. Review status: criteria provided, single submitter. Criteria: Ambry Variant Classification Scheme 2023. Collection method: clinical testing. Allele origin: germline.

NM_019594.4(LRRC8A):c.2288G>C (p.Gly763Ala)

Gene: LRRC8A (leucine rich repeat containing 8 VRAC subunit A; plus strand). Cytogenetic location: 9q34.11.
Variant type: single nucleotide variant.
Coding change: c.2288G>C on transcript NM_019594.4 (MANE Select); coding-DNA position 2288, G replaced by C.
Protein change: p.Gly763Ala; replaces glycine 763 with alanine.
Molecular consequence: missense variant.
Genome position (GRCh38, 1-based): chr9:128,916,226, G>C. VCF-style: chr9-128916226-G-C. GRCh37 (hg19) VCF-style: chr9-131678505-G-C.
Other names: c.2288G>C, p.Gly763Ala (NM_001127245.2, NM_001127244.2); c.2288G>C (NM_001127244.1); short protein forms G763A.
Identifiers: ClinVar variation 2897044 (VCV002897044.4), dbSNP rs766782363, ClinGen allele CA5271057.
Genomic context (GRCh38, chr9:128,916,226, plus strand): 5'-TGCAGTCACTGCCCTCCAGGGTGGGCGAGCTGACCAACCTGACGCAGATCGAGCTGCGGG[G>C]CAACCGGCTGGAGTGCCTGCCTGTGGAGCTGGGCGAGTGCCCACTGCTCAAGCGCAGCGG-3'
Protein context (NP_062540.2, residues 753-773): LTNLTQIELR[Gly763Ala]NRLECLPVEL